The following is an entry in ClinVar:

NM_000260.4(MYO7A):c.3412C>T (p.Gln1138Ter)

Gene: MYO7A (myosin VIIA; plus strand). Cytogenetic location: 11q13.5.
Variant type: single nucleotide variant.
Coding change: c.3412C>T on transcript NM_000260.4 (MANE Select); coding-DNA position 3412, C replaced by T.
Protein change: p.Gln1138Ter; replaces glutamine 1138 with a stop codon.
Molecular consequence: nonsense.
Genome position (GRCh38, 1-based): chr11:77,184,624, C>T. VCF-style: chr11-77184624-C-T. GRCh37 (hg19) VCF-style: chr11-76895669-C-T.
Other names: c.3412C>T, p.Gln1138Ter (NM_001127180.2); c.3379C>T, p.Gln1127Ter (NM_001369365.1); c.3412C>T (NM_000260.3); short protein forms Q1138*, Q1127*.
Identifiers: ClinVar variation 2024877 (VCV002024877.6), dbSNP rs1291827891, ClinGen allele CA381945951.
Genomic context (GRCh38, chr11:77,184,624, plus strand): 5'-CCCTGTCCTCTCCCTCTGGCCCAGGTGACCAAGAGGCTGCATGACGGGGAGTCCACAGTG[C>T]AGGGCAACAGCATGCTGGAGGACCGGCCCACCTCCAACCTGGAGAAGCTGCACTTCATCA-3'

ClinVar aggregate classification (germline): Pathogenic/Likely pathogenic. Review status: criteria provided, multiple submitters, no conflicts (2 of 4 stars). 3 submissions from 3 submitters: Pathogenic (1); Likely pathogenic (2). Last evaluated 2026-03-26.

Conditions:
Usher syndrome type 1B (USH1B). Also called: Usher syndrome type IB. Identifiers: MedGen C1848638, MONDO:0700087.

Allele frequency attached by ClinVar (database versions not stated): gnomAD 0.00001; TOPMed 0.00002.

Submissions (3):

GeneDx
Classification: Likely pathogenic. Last evaluated: 2026-03-26. Review status: criteria provided, single submitter. Criteria: GeneDx Variant Classification Process June 2021. Collection method: clinical testing. Allele origin: germline.
Comment: Nonsense variant predicted to result in protein truncation or nonsense mediated decay in a gene for which loss of function is a known mechanism of disease; Not observed at significant frequency in large population cohorts (gnomAD); Has not been previously published as pathogenic or benign to our knowledge

Natera, Inc.
Classification: Likely pathogenic for Usher syndrome type 1B. Last evaluated: 2025-06-26. Review status: criteria provided, single submitter. Criteria: Natera Variant Classification Schema (03/2026). Collection method: clinical testing. Allele origin: germline.
Comment: The c.3412C>T variant in MYO7A is a nonsense variant predicted to introduce a stop codon at amino acid 1138. This variant is expected to result in nonsense mediated decay, truncation, or a dysfunctional protein product. This variant is rare in the general population with a frequency below the threshold expected for the associated phenotype(s). Given the available evidence, this variant is classified as Likely Pathogenic.

Labcorp Genetics (formerly Invitae), Labcorp
Classification: Pathogenic. Last evaluated: 2024-11-05. Review status: criteria provided, single submitter. Criteria: Invitae Variant Classification Sherloc (09022015). Collection method: clinical testing. Allele origin: germline.
Comment: This sequence change creates a premature translational stop signal (p.Gln1138*) in the MYO7A gene. It is expected to result in an absent or disrupted protein product. Loss-of-function variants in MYO7A are known to be pathogenic (PMID: 8900236, 25404053). The frequency data for this variant in the population databases is considered unreliable, as metrics indicate poor data quality at this position in the gnomAD database. This variant has not been reported in the literature in individuals affected with MYO7A-related conditions. ClinVar contains an entry for this variant (Variation ID: 2024877). For these reasons, this variant has been classified as Pathogenic.

Literature cited by the submitters: PubMed 8900236 (cited by Labcorp Genetics (formerly Invitae), Labcorp); PubMed 25404053 (cited by Labcorp Genetics (formerly Invitae), Labcorp).